The following is an entry in ClinVar:

NM_001008537.3(NEXMIF):c.2720A>C (p.Glu907Ala)

Gene: NEXMIF (neurite extension and migration factor; minus strand). Cytogenetic location: Xq13.3.
Variant type: single nucleotide variant.
Coding change: c.2720A>C on transcript NM_001008537.3 (MANE Select); coding-DNA position 2720, A replaced by C.
Protein change: p.Glu907Ala; replaces glutamic acid 907 with alanine.
Molecular consequence: missense variant.
Genome position (GRCh38, 1-based): chrX:74,741,837, T>G on the plus strand (A>C on the coding strand, the complement: NEXMIF is on the minus strand). VCF-style: chrX-74741837-T-G. GRCh37 (hg19) VCF-style: chrX-73961672-T-G.
Other names: c.2720A>C (NM_001008537.2); short protein forms E907A.
Identifiers: ClinVar variation 1693314 (VCV001693314.8), dbSNP rs746824207, ClinGen allele CA10455017.

ClinVar aggregate classification (germline): Conflicting classifications of pathogenicity. Review status: criteria provided, conflicting classifications (1 of 4 stars). 4 submissions from 4 submitters: Uncertain significance (3); Likely benign (1). Last evaluated 2025-06-20.

Allele frequency attached by ClinVar (database versions not stated): TOPMed below 0.00001; gnomAD exomes 0.00001; ExAC 0.00002.
gnomAD v4.1: 7 of 1,211,838 alleles (0.00058%); highest among the groups gnomAD compares: Non-Finnish European, 0.00078%; no homozygotes.

Submissions (4):

Ambry Genetics
Classification: Likely benign. Last evaluated: 2025-06-20. Review status: criteria provided, single submitter. Criteria: Ambry Variant Classification Scheme 2023. Collection method: clinical testing. Allele origin: germline.

Labcorp Genetics (formerly Invitae), Labcorp
Classification: Uncertain significance. Last evaluated: 2024-11-18. Review status: criteria provided, single submitter. Criteria: Invitae Variant Classification Sherloc (09022015). Collection method: clinical testing. Allele origin: germline.
Comment: This sequence change replaces glutamic acid, which is acidic and polar, with alanine, which is neutral and non-polar, at codon 907 of the NEXMIF protein (p.Glu907Ala). This variant is present in population databases (rs746824207, gnomAD 0.003%), including at least one homozygous and/or hemizygous individual. This variant has not been reported in the literature in individuals affected with NEXMIF-related conditions. ClinVar contains an entry for this variant (Variation ID: 1693314). An algorithm developed to predict the effect of missense changes on protein structure and function (PolyPhen-2) suggests that this variant is likely to be tolerated. In summary, the available evidence is currently insufficient to determine the role of this variant in disease. Therefore, it has been classified as a Variant of Uncertain Significance.

Blueprint Genetics
Classification: Uncertain significance. Last evaluated: 2024-10-01. Review status: criteria provided, single submitter. Criteria: ACMG Guidelines, 2015. Collection method: clinical testing. Allele origin: germline.

GeneDx
Classification: Uncertain significance. Last evaluated: 2022-06-06. Review status: criteria provided, single submitter. Criteria: GeneDx Variant Classification Process June 2021. Collection method: clinical testing. Allele origin: germline. Affected: yes.
Comment: In silico analysis supports that this missense variant does not alter protein structure/function; Has not been previously published as pathogenic or benign to our knowledge